The following is an entry in ClinVar:

NM_000038.6(APC):c.8329G>T (p.Val2777Phe)

Gene: APC (APC regulator of Wnt signaling pathway; plus strand). Cytogenetic location: 5q22.2.
Variant type: single nucleotide variant.
Coding change: c.8329G>T on transcript NM_000038.6 (MANE Select); coding-DNA position 8329, G replaced by T.
Protein change: p.Val2777Phe; replaces valine 2777 with phenylalanine.
Molecular consequence: missense variant.
Genome position (GRCh38, 1-based): chr5:112,843,923, G>T. VCF-style: chr5-112843923-G-T. GRCh37 (hg19) VCF-style: chr5-112179620-G-T.
Other names: c.8275G>T, p.Val2759Phe (NM_001127511.3); c.8329G>T, p.Val2777Phe (NM_001354895.2, NM_001127510.3); c.8206G>T, p.Val2736Phe (NM_001354900.2); c.8359G>T, p.Val2787Phe (NM_001354897.2); c.8254G>T, p.Val2752Phe (NM_001354898.2); c.8245G>T, p.Val2749Phe (NM_001354899.2); c.8383G>T, p.Val2795Phe (NM_001354896.2); c.8152G>T, p.Val2718Phe (NM_001354901.2); and 5 more; short protein forms V2686F, V2718F, V2749F, V2752F, V2795F, V2494F, V2617F, V2676F.
Identifiers: ClinVar variation 822300 (VCV000822300.4), dbSNP rs938418426, ClinGen allele CA16039406.
Genomic context (GRCh38, chr5:112,843,923, plus strand): 5'-GTGGAACGTACCCCATTCAGTTCTAGCAGCTCAAGCAAACACAGTTCACCTAGTGGGACT[G>T]TTGCTGCCAGAGTGACTCCTTTTAATTACAACCCAAGCCCTAGGAAAAGCAGCGCAGATA-3'
Protein context (NP_000029.2, residues 2767-2787): SSKHSSPSGT[Val2777Phe]AARVTPFNYN

ClinVar aggregate classification (germline): Uncertain significance (1 of 4 stars; one submission).

Conditions:
Hereditary cancer-predisposing syndrome. Also called: Tumor predisposition; Hereditary Cancer Syndrome; Neoplastic Syndromes, Hereditary; Hereditary neoplastic syndrome. Identifiers: Orphanet 140162, MedGen C0027672, MeSH D009386, MONDO:0015356.

gnomAD v4.1: 1 of 1,612,622 alleles (0.000062%); highest among the groups gnomAD compares: Non-Finnish European, 0.000085%; no homozygotes.

Submission:

Ambry Genetics
Classification: Uncertain significance for Hereditary cancer-predisposing syndrome. Last evaluated: 2019-12-12. Review status: criteria provided, single submitter. Criteria: Ambry Variant Classification Scheme 2023. Collection method: clinical testing. Allele origin: germline.
Comment: The p.V2777F variant (also known as c.8329G>T), located in coding exon 15 of the APC gene, results from a G to T substitution at nucleotide position 8329. The valine at codon 2777 is replaced by phenylalanine, an amino acid with highly similar properties. This amino acid position is highly conserved in available vertebrate species. In addition, in silico predictors for this gene do not accurately predict pathogenicity. Since supporting evidence is limited at this time, the clinical significance of this alteration remains unclear.